The following is an entry in ClinVar:

ClinVar aggregate classification (germline): Uncertain significance (1 of 4 stars; one submission).

Conditions:
Hereditary diffuse gastric adenocarcinoma (HDGC). Also called: DIFFUSE GASTRIC AND LOBULAR BREAST CANCER SYNDROME. Identifiers: Orphanet 26106, MedGen C1708349, MONDO:0007648, OMIM 137215.

Submission:

Labcorp Genetics (formerly Invitae), Labcorp
Classification: Uncertain significance for Hereditary diffuse gastric adenocarcinoma. Last evaluated: 2019-06-13. Review status: criteria provided, single submitter. Criteria: Invitae Variant Classification Sherloc (09022015). Collection method: clinical testing. Allele origin: germline.
Comment: Algorithms developed to predict the effect of missense changes on protein structure and function are either unavailable or do not agree on the potential impact of this missense change (SIFT: "Tolerated"; PolyPhen-2: "Probably Damaging"; Align-GVGD: "Class C0"). In summary, the available evidence is currently insufficient to determine the role of this variant in disease. Therefore, it has been classified as a Variant of Uncertain Significance. This variant has not been reported in the literature in individuals with CDH1-related disease. This variant is not present in population databases (ExAC no frequency). This sequence change replaces valine with phenylalanine at codon 325 of the CDH1 protein (p.Val325Phe). The valine residue is moderately conserved and there is a small physicochemical difference between valine and phenylalanine.

NM_004360.5(CDH1):c.973G>T (p.Val325Phe)

Gene: CDH1 (cadherin 1; plus strand). Cytogenetic location: 16q22.1.
Variant type: single nucleotide variant.
Coding change: c.973G>T on transcript NM_004360.5 (MANE Select); coding-DNA position 973, G replaced by T.
Protein change: p.Val325Phe; replaces valine 325 with phenylalanine.
Molecular consequence: missense variant. On other transcripts: 5 prime UTR variant (2).
Genome position (GRCh38, 1-based): chr16:68,811,824, G>T. VCF-style: chr16-68811824-G-T. GRCh37 (hg19) VCF-style: chr16-68845727-G-T.
Other names: c.973G>T (LRG_301t1); c.973G>T, p.Val325Phe (NM_001317184.2); c.-643G>T (NM_001317185.2); c.-847G>T (NM_001317186.2); short protein forms V325F.
Identifiers: ClinVar variation 645769 (VCV000645769.11), dbSNP rs1597894244, ClinGen allele CA396459837.